The following is an entry in ClinVar:

NM_005359.6(SMAD4):c.1017dup (p.Lys340Ter)

Gene: SMAD4 (SMAD family member 4; plus strand). Cytogenetic location: 18q21.2.
Variant type: Duplication.
Coding change: c.1017dup on transcript NM_005359.6 (MANE Select); coding-DNA position 1017, one base duplicated (T; older notation c.1017dupT).
Protein change: p.Lys340Ter; replaces lysine 340 with a stop codon.
Molecular consequence: nonsense.
Genome position (GRCh38, 1-based): chr18:51,065,484, T duplicated; the last of 3 consecutive T bases (chr18:51,065,482-51,065,484); duplicating any one gives the same sequence. VCF-style (leftmost placement, unchanged base first): chr18-51065481-A-AT. GRCh37 (hg19) VCF-style: chr18-48591851-A-AT.
Other names: short protein forms K340*.
Identifiers: ClinVar variation 1448680 (VCV001448680.6), dbSNP rs2144446798, ClinGen allele CA2573155354.
Genomic context (GRCh38, chr18:51,065,481, plus strand): 5'-AGCTCCTGAGTATTGGTGTTCCATTGCTTACTTTGAAATGGATGTTCAGGTAGGAGAGAC[A>AT]TTTAAGGTTCCTTCAAGCTGCCCTATTGTTACTGTTGATGGATACGTGGACCCTTCTGGA-3'

ClinVar aggregate classification (germline): Pathogenic (1 of 4 stars; one submission).

Conditions:
Juvenile polyposis syndrome (JPS). Identifiers: Orphanet 2929, MedGen C0345893, MONDO:0017380, OMIM 174900.

Submission:

Labcorp Genetics (formerly Invitae), Labcorp
Classification: Pathogenic for Juvenile polyposis syndrome. Last evaluated: 2024-12-09. Review status: criteria provided, single submitter. Criteria: Invitae Variant Classification Sherloc (09022015). Collection method: clinical testing. Allele origin: germline.
Comment: This sequence change creates a premature translational stop signal (p.Lys340*) in the SMAD4 gene. It is expected to result in an absent or disrupted protein product. Loss-of-function variants in SMAD4 are known to be pathogenic (PMID: 16152648, 16436638, 22810475). This variant is not present in population databases (gnomAD no frequency). This variant has not been reported in the literature in individuals affected with SMAD4-related conditions. ClinVar contains an entry for this variant (Variation ID: 1448680). Algorithms developed to predict the effect of sequence changes on RNA splicing suggest that this variant may disrupt the consensus splice site. For these reasons, this variant has been classified as Pathogenic.

Literature cited by the submitters: PubMed 16152648; PubMed 16436638; PubMed 22810475.